The following is an entry in ClinVar:

NM_173728.4(ARHGEF15):c.1565G>A (p.Ser522Asn)

Gene: ARHGEF15 (Rho guanine nucleotide exchange factor 15; plus strand). Cytogenetic location: 17p13.1.
Variant type: single nucleotide variant.
Coding change: c.1565G>A on transcript NM_173728.4 (MANE Select); coding-DNA position 1565, G replaced by A.
Protein change: p.Ser522Asn; replaces serine 522 with asparagine.
Molecular consequence: missense variant.
Genome position (GRCh38, 1-based): chr17:8,315,898, G>A. VCF-style: chr17-8315898-G-A. GRCh37 (hg19) VCF-style: chr17-8219216-G-A.
Other names: c.1565G>A, p.Ser522Asn (NM_025014.2); short protein forms S522N.
Identifiers: ClinVar variation 2738728 (VCV002738728.3), dbSNP rs1373012308, ClinGen allele CA398021064.
Genomic context (GRCh38, chr17:8,315,898, plus strand): 5'-GGCCTTTCTCGGTGTATGTGGATTATGTGCGGAACCAGCAGTATCAGGAGGAGACCTACA[G>A]CCGCCTCATGTGAGTGTCCCAGGGGTGGGGAGGAAGCTGGGGAGAGGGATGGGACCGAGG-3'
Protein context (NP_776089.2, residues 512-532): RNQQYQEETY[Ser522Asn]RLMDTNVRFS

ClinVar aggregate classification (germline): Uncertain significance (1 of 4 stars; one submission).

Conditions:
Early-infantile DEE. Also called: Early infantile epileptic encephalopathy with suppression bursts; Early infantile epileptic encephalopathy; Ohtahara syndrome. Identifiers: Orphanet 1934, MedGen C0393706, MONDO:0800491.

Allele frequency attached by ClinVar (database versions not stated): TOPMed 0.00003; gnomAD 0.00001.

Submission:

Labcorp Genetics (formerly Invitae), Labcorp
Classification: Uncertain significance for Early-infantile DEE. Last evaluated: 2023-04-01. Review status: criteria provided, single submitter. Criteria: Invitae Variant Classification Sherloc (09022015). Collection method: clinical testing. Allele origin: germline.
Comment: In summary, the available evidence is currently insufficient to determine the role of this variant in disease. Therefore, it has been classified as a Variant of Uncertain Significance. An algorithm developed to predict the effect of missense changes on protein structure and function (PolyPhen-2) suggests that this variant is likely to be disruptive. This variant has not been reported in the literature in individuals affected with ARHGEF15-related conditions. This variant is not present in population databases (gnomAD no frequency). This sequence change replaces serine, which is neutral and polar, with asparagine, which is neutral and polar, at codon 522 of the ARHGEF15 protein (p.Ser522Asn).